The following is an entry in ClinVar:

ClinVar aggregate classification (germline): Likely benign (0 of 4 stars; one submission).

Conditions:
PHKA1-related disorder. Also called: PHKA1-related condition.

Allele frequency attached by ClinVar (database versions not stated): gnomAD exomes below 0.00001.
gnomAD v4.1: 4 of 1,184,216 alleles (0.00034%); highest among the groups gnomAD compares: Non-Finnish European, 0.00034%; no homozygotes.

Submission:

PreventionGenetics, part of Exact Sciences
Classification: Likely benign for PHKA1-related condition. Last evaluated: 2020-06-05. Review status: no assertion criteria provided. Collection method: clinical testing. Allele origin: germline.
Comment: This variant is classified as likely benign based on ACMG/AMP sequence variant interpretation guidelines (Richards et al. 2015 PMID: 25741868, with internal and published modifications).

NM_002637.4(PHKA1):c.2910A>G (p.Glu970=)

Gene: PHKA1 (phosphorylase kinase regulatory subunit alpha 1; minus strand). Cytogenetic location: Xq13.1.
Variant type: single nucleotide variant.
Coding change: c.2910A>G on transcript NM_002637.4 (MANE Select); coding-DNA position 2910, A replaced by G.
Protein change: p.Glu970=; no amino-acid change (glutamic acid 970 retained).
Molecular consequence: synonymous variant.
Genome position (GRCh38, 1-based): chrX:72,603,126, T>C on the plus strand (A>G on the coding strand, the complement: PHKA1 is on the minus strand). VCF-style: chrX-72603126-T-C. GRCh37 (hg19) VCF-style: chrX-71822976-T-C.
Other names: c.2910A>G, p.Glu970= (NM_001122670.2); c.2733A>G, p.Glu911= (NM_001172436.2).
Identifiers: ClinVar variation 3036179 (VCV003036179.2), dbSNP rs2522410393, ClinGen allele CA516751594.
Genomic context (GRCh38, chrX:72,603,126, plus strand): 5'-TGAGACACTTAAACCAAACAGTATGAAATGAAAATGCAGTTATTCAATCTCACCGCTTCG[T>C]TCCACTCCAAACTCCTTGCCGCTGAGAATGTGATGCAGGAGATTCTTCATGGCCGAAGGA-3'
Protein context (NP_002628.2, residues 960-980): HILSGKEFGV[Glu970=]RSVRPTDSNV